The following is an entry in ClinVar:

ClinVar aggregate classification (germline): Uncertain significance (1 of 4 stars; one submission).

Allele frequency attached by ClinVar (database versions not stated): gnomAD exomes below 0.00001.
gnomAD v4.1: 1 of 1,613,196 alleles (0.000062%); highest among the groups gnomAD compares: Non-Finnish European, 0.000085%; no homozygotes.

Submission:

Labcorp Genetics (formerly Invitae), Labcorp
Classification: Uncertain significance. Last evaluated: 2026-01-19. Review status: criteria provided, single submitter. Criteria: Invitae Variant Classification Sherloc (09022015). Collection method: clinical testing. Allele origin: germline.
Comment: This sequence change replaces leucine, which is neutral and non-polar, with valine, which is neutral and non-polar, at codon 4638 of the PCLO protein (p.Leu4638Val). This variant is not present in population databases (gnomAD no frequency). This variant has not been reported in the literature in individuals affected with PCLO-related conditions. ClinVar contains an entry for this variant (Variation ID: 1940893). Experimental studies and prediction algorithms are not available or were not evaluated, and the functional significance of this variant is currently unknown. In summary, the available evidence is currently insufficient to determine the role of this variant in disease. Therefore, it has been classified as a Variant of Uncertain Significance.

NM_033026.6(PCLO):c.13912C>G (p.Leu4638Val)

Gene: PCLO (piccolo presynaptic cytomatrix protein; minus strand). Cytogenetic location: 7q21.11.
Variant type: single nucleotide variant.
Coding change: c.13912C>G on transcript NM_033026.6 (MANE Select); coding-DNA position 13912, C replaced by G.
Protein change: p.Leu4638Val; replaces leucine 4638 with valine.
Molecular consequence: missense variant.
Genome position (GRCh38, 1-based): chr7:82,845,405, G>C on the plus strand (C>G on the coding strand, the complement: PCLO is on the minus strand). VCF-style: chr7-82845405-G-C. GRCh37 (hg19) VCF-style: chr7-82474721-G-C.
Other names: c.13912C>G, p.Leu4638Val (NM_014510.3); short protein forms L4638V.
Identifiers: ClinVar variation 1940893 (VCV001940893.5), dbSNP rs2535326375, ClinGen allele CA367878928.